The following is an entry in ClinVar:

ClinVar aggregate classification (germline): Uncertain significance (1 of 4 stars; one submission).

Conditions:
Autoimmune lymphoproliferative syndrome type 2A (ALPS2A). Also called: AUTOIMMUNE LYMPHOPROLIFERATIVE SYNDROME, TYPE IIA; CASP10-Related Autoimmune Lymphoproliferative Syndrome; Autoimmune lymphoproliferative syndrome type 2. Identifiers: Orphanet 3261, MedGen C1858968, MONDO:0011383, OMIM 603909.

Submission:

Labcorp Genetics (formerly Invitae), Labcorp
Classification: Uncertain significance for Autoimmune lymphoproliferative syndrome type 2A. Last evaluated: 2021-11-12. Review status: criteria provided, single submitter. Criteria: Invitae Variant Classification Sherloc (09022015). Collection method: clinical testing. Allele origin: germline.
Comment: In summary, the available evidence is currently insufficient to determine the role of this variant in disease. Therefore, it has been classified as a Variant of Uncertain Significance. Algorithms developed to predict the effect of missense changes on protein structure and function are either unavailable or do not agree on the potential impact of this missense change (SIFT: "Tolerated"; PolyPhen-2: "Probably Damaging"; Align-GVGD: "Class C0"). This variant has not been reported in the literature in individuals affected with CASP10-related conditions. This variant is not present in population databases (gnomAD no frequency). This sequence change replaces aspartic acid, which is acidic and polar, with valine, which is neutral and non-polar, at codon 486 of the CASP10 protein (p.Asp486Val).

NM_032977.4(CASP10):c.1457A>T (p.Asp486Val)

Gene: CASP10 (caspase 10; plus strand). Cytogenetic location: 2q33.1.
Variant type: single nucleotide variant.
Coding change: c.1457A>T on transcript NM_032977.4 (MANE Select); coding-DNA position 1457, A replaced by T.
Protein change: p.Asp486Val; replaces aspartic acid 486 with valine.
Molecular consequence: missense variant. On other transcripts: 3 prime UTR variant (1), intron variant (2).
Genome position (GRCh38, 1-based): chr2:201,217,629, A>T. VCF-style: chr2-201217629-A-T. GRCh37 (hg19) VCF-style: chr2-202082352-A-T.
Other names: c.1256A>T, p.Asp419Val (NM_001206524.2); c.1328A>T, p.Asp443Val (NM_001230.5); c.*543A>T (NM_032976.4); c.1415+8067A>T (NM_032974.5); c.1286+8067A>T (NM_001206542.2); short protein forms D419V, D486V, D443V.
Identifiers: ClinVar variation 1493487 (VCV001493487.6), dbSNP rs2126062063, ClinGen allele CA350296600.